The following is an entry in ClinVar:

NM_014232.3(VAMP2):c.112C>T (p.Gln38Ter)

Gene: VAMP2 (vesicle associated membrane protein 2; minus strand). Cytogenetic location: 17p13.1.
Variant type: single nucleotide variant.
Coding change: c.112C>T on transcript NM_014232.3 (MANE Select); coding-DNA position 112, C replaced by T.
Protein change: p.Gln38Ter; replaces glutamine 38 with a stop codon.
Molecular consequence: nonsense.
Genome position (GRCh38, 1-based): chr17:8,162,260, G>A on the plus strand (C>T on the coding strand, the complement: VAMP2 is on the minus strand). VCF-style: chr17-8162260-G-A. GRCh37 (hg19) VCF-style: chr17-8065578-G-A.
Other names: c.118C>T, p.Gln40Ter (NM_001330125.1); short protein forms Q38*, Q40*.
Identifiers: ClinVar variation 4198268 (VCV004198268.1).

ClinVar aggregate classification (germline): Uncertain significance (1 of 4 stars; one submission).

Conditions:
Inborn genetic diseases. Identifiers: MedGen C0950123, MeSH D030342.

Submission:

Ambry Genetics
Classification: Uncertain significance for Inborn genetic diseases. Last evaluated: 2025-08-11. Review status: criteria provided, single submitter. Criteria: Ambry Variant Classification Scheme 2023. Collection method: clinical testing. Allele origin: germline.
Comment: The c.112C>T (p.Q38*) alteration, located in exon 2 (coding exon 2) of the VAMP2 gene, consists of a C to T substitution at nucleotide position 112. This changes the amino acid from a glutamine (Q) to a stop codon at amino acid position 38. This alteration is expected to result in premature protein truncation or nonsense-mediated mRNA decay. However, loss of function of VAMP2 has not been established as a mechanism of disease. This variant was not reported in population-based cohorts in the Genome Aggregation Database (gnomAD). Based on insufficient or conflicting evidence, the clinical significance of this alteration remains unclear.